The following is an entry in ClinVar:

ClinVar aggregate classification (germline): Uncertain significance. Review status: criteria provided, multiple submitters, no conflicts (2 of 4 stars). 2 submissions from 2 submitters: Uncertain significance (2). Last evaluated 2026-01-19.

Submissions (2):

Labcorp Genetics (formerly Invitae), Labcorp
Classification: Uncertain significance. Last evaluated: 2026-01-19. Review status: criteria provided, single submitter. Criteria: Invitae Variant Classification Sherloc (09022015). Collection method: clinical testing. Allele origin: germline.
Comment: This sequence change replaces valine, which is neutral and non-polar, with isoleucine, which is neutral and non-polar, at codon 464 of the FBN3 protein (p.Val464Ile). This variant is present in population databases (rs768162766, gnomAD 0.003%). This variant has not been reported in the literature in individuals affected with FBN3-related conditions. ClinVar contains an entry for this variant (Variation ID: 3849220). An algorithm developed to predict the effect of missense changes on protein structure and function outputs the following: PolyPhen-2: "Benign". The isoleucine amino acid residue is found in multiple mammalian species, which suggests that this missense change does not adversely affect protein function. In summary, the available evidence is currently insufficient to determine the role of this variant in disease. Therefore, it has been classified as a Variant of Uncertain Significance.

Ambry Genetics
Classification: Uncertain significance. Last evaluated: 2025-01-02. Review status: criteria provided, single submitter. Criteria: Ambry Variant Classification Scheme 2023. Collection method: clinical testing. Allele origin: germline.

NM_032447.5(FBN3):c.1390G>A (p.Val464Ile)

Gene: FBN3 (fibrillin 3; minus strand). Cytogenetic location: 19p13.2.
Variant type: single nucleotide variant.
Coding change: c.1390G>A on transcript NM_032447.5 (MANE Select); coding-DNA position 1390, G replaced by A.
Protein change: p.Val464Ile; replaces valine 464 with isoleucine.
Molecular consequence: missense variant.
Genome position (GRCh38, 1-based): chr19:8,136,265, C>T on the plus strand (G>A on the coding strand, the complement: FBN3 is on the minus strand). VCF-style: chr19-8136265-C-T. GRCh37 (hg19) VCF-style: chr19-8201149-C-T.
Other names: c.1390G>A, p.Val464Ile (NM_001321431.2); short protein forms V464I.
Identifiers: ClinVar variation 3849220 (VCV003849220.2).
Genomic context (GRCh38, chr19:8,136,265, plus strand): 5'-TGGTGGGCGTGGCCTGGAAGCCCGGGTAGCACCGGCAGTGGTAGGTGCCGGGGATGTTGA[C>T]GCAGTCACCGTGGTGGCAGGGGCTGCTGGTGCATTCGTCTACATCTGAGGGGAGAGGACC-3'
Protein context (NP_115823.3, residues 454-474): TSSPCHHGDC[Val464Ile]NIPGTYHCRC